The following is an entry in ClinVar:

NM_001069.3(TUBB2A):c.1033A>T (p.Ile345Phe)

Gene: TUBB2A (tubulin beta 2A class IIa; minus strand). Cytogenetic location: 6p25.2.
Variant type: single nucleotide variant.
Coding change: c.1033A>T on transcript NM_001069.3 (MANE Select); coding-DNA position 1033, A replaced by T.
Protein change: p.Ile345Phe; replaces isoleucine 345 with phenylalanine.
Molecular consequence: missense variant.
Genome position (GRCh38, 1-based): chr6:3,154,168, T>A on the plus strand (A>T on the coding strand, the complement: TUBB2A is on the minus strand). VCF-style: chr6-3154168-T-A. GRCh37 (hg19) VCF-style: chr6-3154402-T-A.
Other names: c.778A>T, p.Ile260Phe (NM_001310315.2); short protein forms I345F, I260F.
Identifiers: ClinVar variation 212495 (VCV000212495.10), dbSNP rs797046074, ClinGen allele CA207245.

ClinVar aggregate classification (germline): Pathogenic/Likely pathogenic. Review status: criteria provided, multiple submitters, no conflicts (2 of 4 stars). 3 submissions from 3 submitters: Pathogenic (2); Likely pathogenic (1). Last evaluated 2020-12-09.

Conditions:
TUBB2A-related tubulinopathy. Identifiers: MedGen CN322834, MONDO:0700044.
Complex cortical dysplasia with other brain malformations 5. Identifiers: MedGen C3810407, MONDO:0014337, OMIM 615763.

Submissions (3):

Illumina Laboratory Services, Illumina
Classification: Pathogenic for TUBB2A-related tubulinopathy. Last evaluated: 2020-12-09. Review status: criteria provided, single submitter. Criteria: ICSLVariantClassificationCriteria RUGD 01 April 2020. Collection method: clinical testing. Allele origin: unknown.
Comment: The TUBB2A c.1033A>T (p.Ile345Phe) variant is a missense variant that has been identified in a de novo heterozygous state in an individual with developmental delay, epilepsy, seizures, infantile spasms, perisylvian polymicrogyria, microcephaly and plagiocephaly (Lee et al. 2014). The p.Ile345Phe variant is not found in the Genome Aggregation Database in a region of reasonably good sequence coverage, suggesting that it is a rare variant. Additionally, it is located in a C-terminal domain of the TUBB2A gene that is important for protein interaction (Cai et al. 2020) and in silico tools predict damaging effect of the variant on the protein. Based on the collective evidence and application of the ACMG criteria, the p.Ile345Phe variant is classified as pathogenic for TUBB2A-related tubulinopathy.

Genetic Services Laboratory, University of Chicago
Classification: Pathogenic for Cortical dysplasia, complex, with other brain malformations 5. Last evaluated: 2015-04-24. Review status: criteria provided, single submitter. Criteria: ACMG Guidelines, 2015. Collection method: clinical testing. Allele origin: germline. Affected: yes.

UCLA Clinical Genomics Center, UCLA
Classification: Likely pathogenic for Cortical dysplasia, complex, with other brain malformations 5. Last evaluated: 2014-04-29. Review status: criteria provided, single submitter. Criteria: Lee et al. (JAMA. 2014). Collection method: clinical testing. Allele origin: de novo. Inheritance: Autosomal dominant inheritance. Affected: yes. Study: CES.

Literature cited by the submitters: PubMed 25326637 (cited by Illumina Laboratory Services, Illumina); PubMed 32203252 (cited by Illumina Laboratory Services, Illumina).